The following is an entry in ClinVar:

NM_001367624.2(ZNF469):c.4258G>A (p.Glu1420Lys)

Gene: ZNF469 (zinc finger protein 469; plus strand). Cytogenetic location: 16q24.2.
Variant type: single nucleotide variant.
Coding change: c.4258G>A on transcript NM_001367624.2 (MANE Select); coding-DNA position 4258, G replaced by A.
Protein change: p.Glu1420Lys; replaces glutamic acid 1420 with lysine.
Molecular consequence: missense variant.
Genome position (GRCh38, 1-based): chr16:88,431,728, G>A. VCF-style: chr16-88431728-G-A. GRCh37 (hg19) VCF-style: chr16-88498136-G-A.
Other names: NM_001127464.1:c.4174G>A; short protein forms E1420K.
Identifiers: ClinVar variation 1029104 (VCV001029104.6), dbSNP rs387907063, ClinGen allele CA8224929.

ClinVar aggregate classification (germline): Uncertain significance. Review status: criteria provided, multiple submitters, no conflicts (2 of 4 stars). 5 submissions from 5 submitters: Uncertain significance (5). Last evaluated 2026-02-13.

Conditions:
Cardiovascular phenotype. Identifiers: MedGen CN230736.
Brittle cornea syndrome 1 (BCS1). Also called: DYSGENESIS MESODERMALIS CORNEAE ET SCLERAE; CORNEAL FRAGILITY, KERATOGLOBUS, BLUE SCLERAE, JOINT HYPEREXTENSIBILITY; EDS6B; FRAGILITAS OCULI WITH JOINT HYPEREXTENSIBILITY; Corneal fragility keratoglobus, blue sclerae AND joint hypermobility. Identifiers: Orphanet 90354, MedGen C0268344, MONDO:0024543, OMIM 229200.

Allele frequency attached by ClinVar (database versions not stated): gnomAD exomes 0.00002 and 0.00005; TOPMed 0.00003; gnomAD 0.00005 and 0.00006; ExAC 0.00006.
gnomAD v4.1: 86 of 1,550,110 alleles (0.0055%); highest among the groups gnomAD compares: Middle Eastern, 0.067%; no homozygotes.

Submissions (5):

Women's Health and Genetics/Laboratory Corporation of America, LabCorp
Classification: Uncertain significance. Last evaluated: 2026-02-13. Review status: criteria provided, single submitter. Criteria: LabCorp Variant Classification Summary - May 2015. Collection method: clinical testing. Allele origin: germline.
Comment: Variant summary: ZNF469 c.4258G>A (p.Glu1420Lys) results in a conservative amino acid change in the encoded protein sequence. Algorithms developed to predict the effect of missense changes on protein structure and function are either unavailable or do not agree on the potential impact of this missense change. The variant allele was found at a frequency of 2e-05 in 152484 control chromosomes. The available data on variant occurrences in the general population are insufficient to allow any conclusion about variant significance. c.4258G>A has been observed in a high myopia cohort (Yu_2023). This report does not provide unequivocal conclusions about association of the variant with Brittle cornea syndrome 1. To our knowledge, no experimental evidence demonstrating an impact on protein function has been reported. The following publication has been ascertained in the context of this evaluation (PMID: 38039006). ClinVar contains an entry for this variant (Variation ID: 1029104). Based on the evidence outlined above, the variant was classified as uncertain significance.

Ambry Genetics
Classification: Uncertain significance for Cardiovascular phenotype. Last evaluated: 2022-11-30. Review status: criteria provided, single submitter. Criteria: Ambry Variant Classification Scheme 2023. Collection method: clinical testing. Allele origin: germline.

GeneDx
Classification: Uncertain significance. Last evaluated: 2022-06-16. Review status: criteria provided, single submitter. Criteria: GeneDx Variant Classification Process June 2021. Collection method: clinical testing. Allele origin: germline. Affected: yes.
Comment: Not observed at significant frequency in large population cohorts (gnomAD); In silico analysis supports that this missense variant does not alter protein structure/function; Has not been previously published as pathogenic or benign to our knowledge

Labcorp Genetics (formerly Invitae), Labcorp
Classification: Uncertain significance. Last evaluated: 2022-02-17. Review status: criteria provided, single submitter. Criteria: Invitae Variant Classification Sherloc (09022015). Collection method: clinical testing. Allele origin: germline.
Comment: This sequence change replaces glutamic acid, which is acidic and polar, with lysine, which is basic and polar, at codon 1392 of the ZNF469 protein (p.Glu1392Lys). This variant is present in population databases (rs387907063, gnomAD 0.004%). This variant has not been reported in the literature in individuals affected with ZNF469-related conditions. ClinVar contains an entry for this variant (Variation ID: 1029104). Algorithms developed to predict the effect of missense changes on protein structure and function (SIFT, PolyPhen-2, Align-GVGD) all suggest that this variant is likely to be tolerated. In summary, the available evidence is currently insufficient to determine the role of this variant in disease. Therefore, it has been classified as a Variant of Uncertain Significance.

Baylor Genetics
Classification: Uncertain significance for Brittle cornea syndrome 1. Last evaluated: 2020-02-17. Review status: criteria provided, single submitter. Criteria: ACMG Guidelines, 2015. Collection method: clinical testing. Allele origin: unknown. Affected: yes.
Comment: This variant was determined to be of uncertain significance according to ACMG Guidelines, 2015 [PMID:25741868].

Literature cited by the submitters: PubMed 38039006 (cited by Women's Health and Genetics/Laboratory Corporation of America, LabCorp).